The following is an entry in ClinVar:

ClinVar aggregate classification (germline): Conflicting classifications of pathogenicity. Review status: criteria provided, conflicting classifications (1 of 4 stars). 5 submissions from 5 submitters: Uncertain significance (1); Likely benign (4). Last evaluated 2026-02-03.

Conditions:
DYNC2H1-related disorder. Also called: DYNC2H1-related disorders; DYNC2H1-related condition. Identifiers: MedGen CN378770.
Jeune thoracic dystrophy. Also called: Infantile thoracic dystrophy; Thoracic pelvic phalangeal dystrophy; Jeune's syndrome; Chondroectodermal dysplasia-like syndrome; Jeune syndrome; Short-rib thoracic dysplasia. Identifiers: Orphanet 474, MedGen C0265275, MONDO:0018770.
Asphyxiating thoracic dystrophy 3. Also called: SHORT-RIB THORACIC DYSPLASIA 3/6 WITH POLYDACTYLY, DIGENIC; Saldino-Noonan Syndrome; POLYDACTYLY WITH NEONATAL CHONDRODYSTROPHY, TYPE I; SHORT-RIB THORACIC DYSPLASIA 3 WITH OR WITHOUT POLYDACTYLY; Short rib polydactyly syndrome 2B. Identifiers: Orphanet 474, Orphanet 93269, Orphanet 93270, Orphanet 93271, MedGen C0036069, MONDO:0013127, OMIM 613091.

Allele frequency attached by ClinVar (database versions not stated): gnomAD exomes 0.00004 and 0.00007; ExAC 0.00018; ESP Exome Variant Server 0.00026; TOPMed 0.00036; gnomAD 0.00039 and 0.00043; 1000 Genomes Project 30x 0.00047; 1000 Genomes Project 0.00060.
gnomAD v4.1: 123 of 1,564,836 alleles (0.0079%); highest among the groups gnomAD compares: African/African-American, 0.15%; no homozygotes.

Submissions (5):

Women's Health and Genetics/Laboratory Corporation of America, LabCorp
Classification: Likely benign. Last evaluated: 2026-02-03. Review status: criteria provided, single submitter. Criteria: LabCorp Variant Classification Summary - May 2015. Collection method: clinical testing. Allele origin: germline.

Labcorp Genetics (formerly Invitae), Labcorp
Classification: Likely benign for Jeune thoracic dystrophy. Last evaluated: 2026-01-28. Review status: criteria provided, single submitter. Criteria: Invitae Variant Classification Sherloc (09022015). Collection method: clinical testing. Allele origin: germline.

PreventionGenetics, part of Exact Sciences
Classification: Likely benign for DYNC2H1-related condition. Last evaluated: 2024-11-15. Review status: criteria provided, single submitter. Criteria: ACMG Guidelines, 2015. Collection method: clinical testing. Allele origin: germline.
Comment: This variant is classified as likely benign based on ACMG/AMP sequence variant interpretation guidelines (Richards et al. 2015 PMID: 25741868, with internal and published modifications).

Blueprint Genetics
Classification: Likely benign. Last evaluated: 2024-05-21. Review status: criteria provided, single submitter. Criteria: ACMG Guidelines, 2015. Collection method: clinical testing. Allele origin: germline.

Illumina Laboratory Services, Illumina
Classification: Uncertain significance for Asphyxiating thoracic dystrophy 3. Last evaluated: 2018-01-13. Review status: criteria provided, single submitter. Criteria: ICSL Variant Classification Criteria 13 December 2019. Collection method: clinical testing. Allele origin: germline.

NM_001377.3(DYNC2H1):c.1350C>T (p.Asp450=)

Gene: DYNC2H1 (dynein cytoplasmic 2 heavy chain 1; plus strand). Cytogenetic location: 11q22.3.
Variant type: single nucleotide variant.
Coding change: c.1350C>T on transcript NM_001377.3 (MANE Select); coding-DNA position 1350, C replaced by T.
Protein change: p.Asp450=; no amino-acid change (aspartic acid 450 retained).
Molecular consequence: synonymous variant.
Genome position (GRCh38, 1-based): chr11:103,121,026, C>T. VCF-style: chr11-103121026-C-T. GRCh37 (hg19) VCF-style: chr11-102991755-C-T.
Other names: c.1350C>T, p.Asp450= (NM_001080463.2).
Identifiers: ClinVar variation 878814 (VCV000878814.14), dbSNP rs190106816, ClinGen allele CA6252740.
Genomic context (GRCh38, chr11:103,121,026, plus strand): 5'-TCCAACTATAAGCAAAGAATTGATGTTAGAAAGAGAAACTTTACTGGCAAGACTTGTGGA[C>T]TCAATTAAAGGTAAAAGTTTATGAGATTATAGTGTTTGCTTGAGAGAATATTTTTGTATA-3'
Protein context (NP_001368.2, residues 440-460): ERETLLARLV[Asp450=]SIKDFRLDFE